The following is an entry in ClinVar:

NM_001303256.3(MORC2):c.3008C>G (p.Ala1003Gly)

Gene: MORC2 (MORC family CW-type zinc finger 2; minus strand). Cytogenetic location: 22q12.2.
Variant type: single nucleotide variant.
Coding change: c.3008C>G on transcript NM_001303256.3 (MANE Select); coding-DNA position 3008, C replaced by G.
Protein change: p.Ala1003Gly; replaces alanine 1003 with glycine.
Molecular consequence: missense variant.
Genome position (GRCh38, 1-based): chr22:30,928,041, G>C on the plus strand (C>G on the coding strand, the complement: MORC2 is on the minus strand). VCF-style: chr22-30928041-G-C. GRCh37 (hg19) VCF-style: chr22-31324028-G-C.
Other names: c.3008C>G, p.Ala1003Gly (NM_001303257.2); c.2822C>G, p.Ala941Gly (NM_014941.3); short protein forms A1003G, A941G.
Identifiers: ClinVar variation 4803178 (VCV004803178.1).

ClinVar aggregate classification (germline): Uncertain significance (1 of 4 stars; one submission).

Conditions:
Charcot-Marie-Tooth disease axonal type 2Z. Also called: CHARCOT-MARIE-TOOTH DISEASE, AXONAL, AUTOSOMAL DOMINANT, TYPE 2Z; CHARCOT-MARIE-TOOTH NEUROPATHY, TYPE 2Z. Identifiers: Orphanet 466768, MedGen C5569025, MONDO:0014736, OMIM 616688.

Submission:

Labcorp Genetics (formerly Invitae), Labcorp
Classification: Uncertain significance for Charcot-Marie-Tooth disease axonal type 2Z. Last evaluated: 2025-05-27. Review status: criteria provided, single submitter. Criteria: Invitae Variant Classification Sherloc (09022015). Collection method: clinical testing. Allele origin: germline.
Comment: This sequence change replaces alanine, which is neutral and non-polar, with glycine, which is neutral and non-polar, at codon 1003 of the MORC2 protein (p.Ala1003Gly). This variant is not present in population databases (gnomAD no frequency). This variant has not been reported in the literature in individuals affected with MORC2-related conditions. Invitae Evidence Modeling of protein sequence and biophysical properties (such as structural, functional, and spatial information, amino acid conservation, physicochemical variation, residue mobility, and thermodynamic stability) has been performed for this missense variant. However, the output from this modeling did not meet the statistical confidence thresholds required to predict the impact of this variant on MORC2 protein function. In summary, the available evidence is currently insufficient to determine the role of this variant in disease. Therefore, it has been classified as a Variant of Uncertain Significance.